The following is an entry in ClinVar:

ClinVar aggregate classification (germline): Uncertain significance. Review status: criteria provided, multiple submitters, no conflicts (2 of 4 stars). 2 submissions from 2 submitters: Uncertain significance (2). Last evaluated 2026-01-30.

Conditions:
EHHADH-related disorder. Also called: EHHADH-related condition.

Allele frequency attached by ClinVar (database versions not stated): gnomAD exomes below 0.00001; TOPMed below 0.00001; ExAC 0.00001.
gnomAD v4.1: 2 of 1,614,074 alleles (0.00012%); highest among the groups gnomAD compares: East Asian, 0.0045%; no homozygotes.

Submissions (2):

PreventionGenetics, part of Exact Sciences
Classification: Uncertain significance for EHHADH-related condition. Last evaluated: 2026-01-30. Review status: criteria provided, single submitter. Criteria: ACMG Guidelines, 2015. Collection method: clinical testing. Allele origin: germline.
Comment: The EHHADH c.73A>G variant is predicted to result in the amino acid substitution p.Ser25Gly. To our knowledge, this variant has not been reported in the literature. This variant is reported in 0.0054% of alleles in individuals of East Asian descent in gnomAD. At this time, the clinical significance of this variant is uncertain due to the absence of conclusive functional and genetic evidence.

Ambry Genetics
Classification: Uncertain significance. Last evaluated: 2024-01-04. Review status: criteria provided, single submitter. Criteria: Ambry Variant Classification Scheme 2023. Collection method: clinical testing. Allele origin: germline.

NM_001966.4(EHHADH):c.73A>G (p.Ser25Gly)

Gene: EHHADH (enoyl-CoA hydratase and 3-hydroxyacyl CoA dehydrogenase; minus strand). Cytogenetic location: 3q27.2.
Variant type: single nucleotide variant.
Coding change: c.73A>G on transcript NM_001966.4 (MANE Select); coding-DNA position 73, A replaced by G.
Protein change: p.Ser25Gly; replaces serine 25 with glycine.
Molecular consequence: missense variant. On other transcripts: 5 prime UTR variant (1).
Genome position (GRCh38, 1-based): chr3:185,253,950, T>C on the plus strand (A>G on the coding strand, the complement: EHHADH is on the minus strand). VCF-style: chr3-185253950-T-C. GRCh37 (hg19) VCF-style: chr3-184971738-T-C.
Other names: c.-339A>G (NM_001166415.2); short protein forms S25G.
Identifiers: ClinVar variation 3087801 (VCV003087801.2), dbSNP rs746184892, ClinGen allele CA2739347.